The following is an entry in ClinVar:

NM_001367624.2(ZNF469):c.4884G>A (p.Thr1628=)

Gene: ZNF469 (zinc finger protein 469; plus strand). Cytogenetic location: 16q24.2.
Variant type: single nucleotide variant.
Coding change: c.4884G>A on transcript NM_001367624.2 (MANE Select); coding-DNA position 4884, G replaced by A.
Protein change: p.Thr1628=; no amino-acid change (threonine 1628 retained).
Molecular consequence: synonymous variant.
Genome position (GRCh38, 1-based): chr16:88,432,354, G>A. VCF-style: chr16-88432354-G-A. GRCh37 (hg19) VCF-style: chr16-88498762-G-A.
Other names: NM_001127464.1:c.4800G>A; p.Thr1628=.
Identifiers: ClinVar variation 320930 (VCV000320930.18), dbSNP rs141666432, ClinGen allele CA8225019.

ClinVar aggregate classification (germline): Benign/Likely benign. Review status: criteria provided, multiple submitters, no conflicts (2 of 4 stars). 7 submissions from 7 submitters: Benign (4); Likely benign (3). Last evaluated 2026-02-02.

Conditions:
Brittle cornea syndrome 1 (BCS1). Also called: CORNEAL FRAGILITY, KERATOGLOBUS, BLUE SCLERAE, JOINT HYPEREXTENSIBILITY; EDS6B; FRAGILITAS OCULI WITH JOINT HYPEREXTENSIBILITY; DYSGENESIS MESODERMALIS CORNEAE ET SCLERAE; Corneal fragility keratoglobus, blue sclerae AND joint hypermobility. Identifiers: Orphanet 90354, MedGen C0268344, MONDO:0024543, OMIM 229200.
Cardiovascular phenotype. Identifiers: MedGen CN230736.

Allele frequency attached by ClinVar (database versions not stated): gnomAD exomes 0.00107 and 0.00187; ExAC 0.00352; ESP Exome Variant Server 0.00790; gnomAD 0.00832 and 0.00893; 1000 Genomes Project 0.00859; 1000 Genomes Project 30x 0.00890; TOPMed 0.00966.
gnomAD v4.1: 2,826 of 1,548,508 alleles (0.18%); highest among the groups gnomAD compares: African/African-American, 2.8%; 38 homozygotes.

Submissions (7):

Labcorp Genetics (formerly Invitae), Labcorp
Classification: Benign. Last evaluated: 2026-02-02. Review status: criteria provided, single submitter. Criteria: Invitae Variant Classification Sherloc (09022015). Collection method: clinical testing. Allele origin: germline.

Women's Health and Genetics/Laboratory Corporation of America, LabCorp
Classification: Likely benign. Last evaluated: 2026-01-22. Review status: criteria provided, single submitter. Criteria: LabCorp Variant Classification Summary - May 2015. Collection method: clinical testing. Allele origin: germline.

Mayo Clinic Laboratories, Mayo Clinic
Classification: Benign. Last evaluated: 2024-01-19. Review status: criteria provided, single submitter. Criteria: ACMG Guidelines, 2015. Collection method: clinical testing. Allele origin: germline. Observed: 10 variant alleles.
Comment: BS1, BS2, BP4, BP7

Genome-Nilou Lab
Classification: Benign for Brittle cornea syndrome 1. Last evaluated: 2021-12-05. Review status: criteria provided, single submitter. Criteria: ACMG Guidelines, 2015. Collection method: clinical testing. Allele origin: germline. Affected: no.

Ambry Genetics
Classification: Likely benign for Cardiovascular phenotype. Last evaluated: 2019-03-01. Review status: criteria provided, single submitter. Criteria: Ambry Variant Classification Scheme 2023. Collection method: clinical testing. Allele origin: germline.

GeneDx
Classification: Benign. Last evaluated: 2017-01-04. Review status: criteria provided, single submitter. Criteria: GeneDx Variant Classification (06012015). Collection method: clinical testing. Allele origin: germline. Affected: yes.
Comment: This variant is considered likely benign or benign based on one or more of the following criteria: it is a conservative change, it occurs at a poorly conserved position in the protein, it is predicted to be benign by multiple in silico algorithms, and/or has population frequency not consistent with disease.

Breakthrough Genomics
Classification: Likely benign. Review status: criteria provided, single submitter. Criteria: ACMG Guidelines, 2015. Collection method: not provided. Allele origin: germline. Inheritance: Autosomal recessive inheritance. Affected: yes.